The following is an entry in ClinVar:

ClinVar aggregate classification (germline): Uncertain significance (1 of 4 stars; one submission).

Conditions:
Emery-Dreifuss muscular dystrophy 5, autosomal dominant (EDMD5). Also called: EMERY-DREIFUSS MUSCULAR DYSTROPHY 5. Identifiers: Orphanet 261, MedGen C2751805, MONDO:0013072, OMIM 612999.

Allele frequency attached by ClinVar (database versions not stated): ExAC 0.00001; gnomAD exomes 0.00003; gnomAD 0.00006 and 0.00007; TOPMed 0.00009.
gnomAD v4.1: 75 of 1,613,676 alleles (0.0046%); highest among the groups gnomAD compares: African/African-American, 0.035%; 2 homozygotes.

Submission:

Labcorp Genetics (formerly Invitae), Labcorp
Classification: Uncertain significance for Emery-Dreifuss muscular dystrophy 5, autosomal dominant. Last evaluated: 2025-11-21. Review status: criteria provided, single submitter. Criteria: Invitae Variant Classification Sherloc (09022015). Collection method: clinical testing. Allele origin: germline.
Comment: This sequence change replaces valine, which is neutral and non-polar, with isoleucine, which is neutral and non-polar, at codon 6236 of the SYNE2 protein (p.Val6236Ile). This variant is present in population databases (rs113434745, gnomAD 0.01%). This variant has not been reported in the literature in individuals affected with SYNE2-related conditions. ClinVar contains an entry for this variant (Variation ID: 1441550). An algorithm developed to predict the effect of missense changes on protein structure and function outputs the following: PolyPhen-2: "Benign". The isoleucine amino acid residue is found in multiple mammalian species, which suggests that this missense change does not adversely affect protein function. In summary, the available evidence is currently insufficient to determine the role of this variant in disease. Therefore, it has been classified as a Variant of Uncertain Significance.

NM_182914.3(SYNE2):c.18706G>A (p.Val6236Ile)

Gene: SYNE2 (spectrin repeat containing nuclear envelope protein 2; plus strand). Cytogenetic location: 14q23.2.
Variant type: single nucleotide variant.
Coding change: c.18706G>A on transcript NM_182914.3 (MANE Select); coding-DNA position 18706, G replaced by A.
Protein change: p.Val6236Ile; replaces valine 6236 with isoleucine.
Molecular consequence: missense variant.
Genome position (GRCh38, 1-based): chr14:64,210,107, G>A. VCF-style: chr14-64210107-G-A. GRCh37 (hg19) VCF-style: chr14-64676825-G-A.
Other names: c.18706G>A, p.Val6236Ile (NM_015180.6); short protein forms V6236I.
Identifiers: ClinVar variation 1441550 (VCV001441550.6), dbSNP rs113434745, ClinGen allele CA7224176.